The following is an entry in ClinVar:

NM_002471.4(MYH6):c.3532C>T (p.Arg1178Trp)

Gene: MYH6 (myosin heavy chain 6; minus strand). Cytogenetic location: 14q11.2.
Variant type: single nucleotide variant.
Coding change: c.3532C>T on transcript NM_002471.4 (MANE Select); coding-DNA position 3532, C replaced by T.
Protein change: p.Arg1178Trp; replaces arginine 1178 with tryptophan.
Molecular consequence: missense variant.
Genome position (GRCh38, 1-based): chr14:23,390,257, G>A on the plus strand (C>T on the coding strand, the complement: MYH6 is on the minus strand). VCF-style: chr14-23390257-G-A. GRCh37 (hg19) VCF-style: chr14-23859466-G-A.
Other names: short protein forms R1178W.
Identifiers: ClinVar variation 264515 (VCV000264515.14), dbSNP rs886039180, ClinGen allele CA7115151.
Genomic context (GRCh38, chr14:23,390,257, plus strand): 5'-GCTTCTTGCGCAGGGCCGCGGCAGTGGCCTCGTGCTGCAGCGTGGCCTCCTCCAGGTCCC[G>A]CCGCATCTTCTGGAACTCGGCCTCGCGCTTCTTGTTCATCTCGATCTGCACGGACGTGGC-3'
Protein context (NP_002462.2, residues 1168-1188): KREAEFQKMR[Arg1178Trp]DLEEATLQHE

ClinVar aggregate classification (germline): Uncertain significance. Review status: criteria provided, multiple submitters, no conflicts (2 of 4 stars). 2 submissions from 2 submitters: Uncertain significance (2). Last evaluated 2025-03-07.

Conditions:
Cardiovascular phenotype. Identifiers: MedGen CN230736.
Hypertrophic cardiomyopathy 14. Identifiers: MedGen C2750467, MONDO:0013197, OMIM 613251.

Allele frequency attached by ClinVar (database versions not stated): ExAC 0.00001; gnomAD exomes 0.00001.
gnomAD v4.1: 10 of 1,586,554 alleles (0.00063%); highest among the groups gnomAD compares: Middle Eastern, 0.046%; no homozygotes.

Submissions (2):

Labcorp Genetics (formerly Invitae), Labcorp
Classification: Uncertain significance for Hypertrophic cardiomyopathy 14. Last evaluated: 2025-03-07. Review status: criteria provided, single submitter. Criteria: Invitae Variant Classification Sherloc (09022015). Collection method: clinical testing. Allele origin: germline.
Comment: This sequence change replaces arginine, which is basic and polar, with tryptophan, which is neutral and slightly polar, at codon 1178 of the MYH6 protein (p.Arg1178Trp). This variant is present in population databases (no rsID available, gnomAD 0.002%). This variant has not been reported in the literature in individuals affected with MYH6-related conditions. ClinVar contains an entry for this variant (Variation ID: 264515). Invitae Evidence Modeling of protein sequence and biophysical properties (such as structural, functional, and spatial information, amino acid conservation, physicochemical variation, residue mobility, and thermodynamic stability) indicates that this missense variant is expected to disrupt MYH6 protein function with a positive predictive value of 80%. In summary, the available evidence is currently insufficient to determine the role of this variant in disease. Therefore, it has been classified as a Variant of Uncertain Significance.

Ambry Genetics
Classification: Uncertain significance for Cardiovascular phenotype. Last evaluated: 2024-08-12. Review status: criteria provided, single submitter. Criteria: Ambry Variant Classification Scheme 2023. Collection method: clinical testing. Allele origin: germline.
Comment: The p.R1178W variant (also known as c.3532C>T), located in coding exon 24 of the MYH6 gene, results from a C to T substitution at nucleotide position 3532. The arginine at codon 1178 is replaced by tryptophan, an amino acid with dissimilar properties. This variant has been detected in an individual with pediatric onset dilated cardiomyopathy; however, details were limited (Ware SM et al. Am J Hum Genet, 2022 Feb;109:282-298). This amino acid position is highly conserved in available vertebrate species. In addition, this alteration is predicted to be deleterious by in silico analysis. Based on the available evidence, the clinical significance of this variant remains unclear.

Literature cited by the submitters: PubMed 35026164 (cited by Ambry Genetics).